The following is an entry in ClinVar:

NC_000010.10:g.(?_16961942)_(16970322_?)del

Gene: CUBN (cubilin; minus strand). Cytogenetic location: 10p13.
Variant type: Deletion.
Identifiers: ClinVar variation 2423663 (VCV002423663.4).

ClinVar aggregate classification (germline): Pathogenic (1 of 4 stars; one submission).

Conditions:
Imerslund-Grasbeck syndrome. Also called: PERNICIOUS ANEMIA, JUVENILE, DUE TO SELECTIVE INTESTINAL MALABSORPTION OF VITAMIN B12, WITH PROTEINURIA; Imerslund-Gräsbeck syndrome; Megaloblastic anemia due to inborn errors of metabolism; ENTEROCYTE COBALAMIN MALABSORPTION; ENTEROCYTE INTRINSIC FACTOR RECEPTOR, DEFECT OF. Identifiers: Orphanet 35858, MedGen C4551825, MONDO:0009853.

Submission:

Labcorp Genetics (formerly Invitae), Labcorp
Classification: Pathogenic for Imerslund-Grasbeck syndrome. Last evaluated: 2022-11-15. Review status: criteria provided, single submitter. Criteria: Invitae Variant Classification Sherloc (09022015). Collection method: clinical testing. Allele origin: germline.
Comment: For these reasons, this variant has been classified as Pathogenic. This variant has not been reported in the literature in individuals affected with CUBN-related conditions. This variant is a gross deletion of the genomic region encompassing exon(s) 41-44 of the CUBN gene. This deletion is out-of-frame, and is expected to create a premature termination codon and result in an absent or disrupted protein product. Loss-of-function variants in CUBN are known to be pathogenic (PMID: 15024727, 22929189, 25349199, 34979989).

Literature cited by the submitters: PubMed 15024727; PubMed 22929189; PubMed 25349199; PubMed 34979989.